The following is an entry in ClinVar:

ClinVar aggregate classification (germline): Likely benign (1 of 4 stars; one submission).

Submission:

CeGaT Center for Human Genetics Tuebingen
Classification: Likely benign. Last evaluated: 2025-07-01. Review status: criteria provided, single submitter. Criteria: CeGaT Center For Human Genetics Tuebingen Variant Classification Criteria Version 2. Collection method: clinical testing. Allele origin: germline. Affected: yes. Observed: 2 variant alleles.
Comment: PLIN4: BP4, BP7

NM_001367868.2(PLIN4):c.2176C>T (p.Leu726=)

Gene: PLIN4 (perilipin 4; minus strand). Cytogenetic location: 19p13.3.
Variant type: single nucleotide variant.
Coding change: c.2176C>T on transcript NM_001367868.2 (MANE Select); coding-DNA position 2176, C replaced by T.
Protein change: p.Leu726=; no amino-acid change (leucine 726 retained).
Molecular consequence: synonymous variant.
Genome position (GRCh38, 1-based): chr19:4,511,784, G>A on the plus strand (C>T on the coding strand, the complement: PLIN4 is on the minus strand). VCF-style: chr19-4511784-G-A. GRCh37 (hg19) VCF-style: chr19-4511796-G-A.
Other names: c.2179C>T, p.Leu727= (NM_001393888.1, NM_001393889.1); c.2176C>T, p.Leu726= (NM_001393890.1, NM_001393891.1).
Identifiers: ClinVar variation 3777944 (VCV003777944.7).